The following is an entry in ClinVar:

NM_001205293.3(CACNA1E):c.6840C>A (p.Asn2280Lys)

Gene: CACNA1E (calcium voltage-gated channel subunit alpha1 E; plus strand). Cytogenetic location: 1q25.3.
Variant type: single nucleotide variant.
Coding change: c.6840C>A on transcript NM_001205293.3 (MANE Select); coding-DNA position 6840, C replaced by A.
Protein change: p.Asn2280Lys; replaces asparagine 2280 with lysine.
Molecular consequence: missense variant.
Genome position (GRCh38, 1-based): chr1:181,798,732, C>A. VCF-style: chr1-181798732-C-A. GRCh37 (hg19) VCF-style: chr1-181767868-C-A.
Other names: c.6711C>A, p.Asn2237Lys (NM_000721.4); c.6654C>A, p.Asn2218Lys (NM_001205294.2); short protein forms N2218K, N2237K, N2280K.
Identifiers: ClinVar variation 1800769 (VCV001800769.1), dbSNP rs536386497, ClinGen allele CA1276501.

ClinVar aggregate classification (germline): Uncertain significance (1 of 4 stars; one submission).

gnomAD v4.1: 2 of 1,607,226 alleles (0.00012%); highest among the groups gnomAD compares: African/African-American, 0.0027%; no homozygotes.

Submission:

GeneDx
Classification: Uncertain significance. Last evaluated: 2022-05-16. Review status: criteria provided, single submitter. Criteria: GeneDx Variant Classification Process June 2021. Collection method: clinical testing. Allele origin: germline. Affected: yes.
Comment: In silico analysis supports that this missense variant has a deleterious effect on protein structure/function; Has not been previously published as pathogenic or benign to our knowledge